The following is an entry in ClinVar:

NM_015915.5(ATL1):c.470T>G (p.Leu157Trp)

Gene: ATL1 (atlastin GTPase 1; plus strand). Cytogenetic location: 14q22.1.
Variant type: single nucleotide variant.
Coding change: c.470T>G on transcript NM_015915.5 (MANE Select); coding-DNA position 470, T replaced by G.
Protein change: p.Leu157Trp; replaces leucine 157 with tryptophan.
Molecular consequence: missense variant.
Genome position (GRCh38, 1-based): chr14:50,591,587, T>G. VCF-style: chr14-50591587-T-G. GRCh37 (hg19) VCF-style: chr14-51058305-T-G.
Other names: c.470T>G, p.Leu157Trp (NM_001127713.1, NM_181598.4); short protein forms L157W.
Identifiers: ClinVar variation 4353 (VCV000004353.3), dbSNP rs119476051, ClinGen allele CA340234.

ClinVar aggregate classification (germline): Pathogenic. Review status: no assertion criteria provided (0 of 4 stars). 2 submissions from 2 submitters: Pathogenic (2). Last evaluated 2010-09-21.

Conditions:
Hereditary spastic paraplegia 3A (SPG3A). Also called: SPASTIC PARAPLEGIA 3, AUTOSOMAL DOMINANT; FAMILIAL SPASTIC PARAPLEGIA, AUTOSOMAL DOMINANT, 1; SPG3; STRUMPELL DISEASE; Spastic Paraplegia 3A; Spastic paraplegia 3A, autosomal dominant. Identifiers: Orphanet 100984, MedGen C2931355, MONDO:0008437, OMIM 182600.

Submissions (2):

GeneReviews
Classification: Pathogenic for Spastic Paraplegia 3A. Last evaluated: 2010-09-21. Review status: no assertion criteria provided. Collection method: curation. Allele origin: unknown.
ClinVar note: Converted during submission from pathologic to Pathogenic.

OMIM
Classification: Pathogenic for SPASTIC PARAPLEGIA 3, AUTOSOMAL DOMINANT. Last evaluated: 2006-03-01. Review status: no assertion criteria provided. Collection method: literature only. Allele origin: germline.

Literature cited by the submitters: PubMed 16533974 (cited by OMIM).